The following is an entry in ClinVar:

ClinVar aggregate classification (germline): Benign/Likely benign. Review status: criteria provided, multiple submitters, no conflicts (2 of 4 stars). 5 submissions from 3 submitters: Benign (4); Likely benign (1). Last evaluated 2023-04-11.

Conditions:
Hypertrophic cardiomyopathy 2. Also called: TNNT2-Related Familial Hypertrophic Cardiomyopathy. Identifiers: MedGen C1861864, MONDO:0007266, OMIM 115195.
Dilated cardiomyopathy 1D. Identifiers: Orphanet 154, Orphanet 54260, MedGen C1832243, MONDO:0011095, OMIM 601494.
Cardiomyopathy, familial restrictive, 3. Identifiers: Orphanet 75249, MedGen C2676271, MONDO:0012900, OMIM 612422.

Submissions (5):

Genome-Nilou Lab
Classification: Benign for Dilated cardiomyopathy 1D. Last evaluated: 2023-04-11. Review status: criteria provided, single submitter. Criteria: ACMG Guidelines, 2015. Collection method: clinical testing. Allele origin: germline. Affected: no.

Genome-Nilou Lab
Classification: Benign for Cardiomyopathy, familial restrictive, 3. Last evaluated: 2023-04-11. Review status: criteria provided, single submitter. Criteria: ACMG Guidelines, 2015. Collection method: clinical testing. Allele origin: germline. Affected: no.

Genome-Nilou Lab
Classification: Benign for Hypertrophic cardiomyopathy 2. Last evaluated: 2023-04-11. Review status: criteria provided, single submitter. Criteria: ACMG Guidelines, 2015. Collection method: clinical testing. Allele origin: germline. Affected: no.

GeneDx
Classification: Likely benign. Last evaluated: 2018-06-19. Review status: criteria provided, single submitter. Criteria: GeneDx Variant Classification (06012015). Collection method: clinical testing. Allele origin: germline. Affected: yes.
Comment: This variant is considered likely benign or benign based on one or more of the following criteria: it is a conservative change, it occurs at a poorly conserved position in the protein, it is predicted to be benign by multiple in silico algorithms, and/or has population frequency not consistent with disease.

Women's Health and Genetics/Laboratory Corporation of America, LabCorp
Classification: Benign. Last evaluated: 2017-07-10. Review status: criteria provided, single submitter. Criteria: LabCorp Variant Classification Summary - May 2015. Collection method: clinical testing. Allele origin: germline.
Comment: Variant summary: The TNNT2 c.382-94delC variant involves the alteration of a non-conserved intronic nucleotide. One in silico tool predicts a benign outcome for this variant. 5/5 splice prediction tools predict no significant impact on normal splicing. However, these predictions have yet to be confirmed by functional studies. This variant was found in 337/30938 control chromosomes at a frequency of 0.0108928, which is approximately 44 times the estimated maximal expected allele frequency of a pathogenic TNNT2 variant (0.00025), suggesting this variant is likely a benign polymorphism. This variant was reported in HCM patients without strong evidence for causality (Erdmann_CG_2003, Jaaskelainen_AM_2004). The variant of interest has not, to our knowledge, been reported by reputable databases/clinical diagnostic laboratories; nor evaluated for functional impact by in vivo/vitro studies. Due to the high frequency of this variant in the general population, the lack of impact on protein structure, and the lack of predicted impact on splicing, this variant has been classified as benign.

Literature cited by the submitters: PubMed 15000344 (cited by Women's Health and Genetics/Laboratory Corporation of America, LabCorp); PubMed 12974739 (cited by Women's Health and Genetics/Laboratory Corporation of America, LabCorp).

NM_001276345.2(TNNT2):c.412-94del

Gene: TNNT2 (troponin T2, cardiac type; minus strand). Cytogenetic location: 1q32.1.
Variant type: Deletion.
Coding change: c.412-94del on transcript NM_001276345.2 (MANE Select); 94 bases into the intron before coding-DNA position 412, one base deleted (C; older notation c.412-94delC).
Molecular consequence: intron variant.
Genome position (GRCh38, 1-based): chr1:201,364,469, G deleted on the plus strand (C on the coding strand, the reverse complement: TNNT2 is on the minus strand); the first of 5 consecutive G bases (chr1:201,364,469-201,364,473); deleting any one gives the same sequence. VCF-style (leftmost placement, unchanged base first): chr1-201364468-TG-T. GRCh37 (hg19) VCF-style: chr1-201333596-TG-T.
Other names: c.367-94del (NM_001001432.3); c.382-94del (NM_001001431.3, NM_001001430.3, NM_001276347.2); c.292-94del (NM_001276346.2); c.412-94del (NM_000364.4); c.382-94delC (NM_001001430.1).
Identifiers: ClinVar variation 496075 (VCV000496075.3), dbSNP rs35559054, ClinGen allele CA35422975.